The following is an entry in ClinVar:

ClinVar aggregate classification (germline): Uncertain significance (1 of 4 stars; one submission).

Conditions:
Familial thoracic aortic aneurysm and aortic dissection (TAAD). Also called: Thoracic aortic aneurysms and dissections. Identifiers: Orphanet 91387, MedGen C4707243, MONDO:0019625.

gnomAD v4.1: 1 of 1,614,096 alleles (0.000062%); highest among the groups gnomAD compares: Non-Finnish European, 0.000085%; no homozygotes.

Submission:

Ambry Genetics
Classification: Uncertain significance for Familial thoracic aortic aneurysm and aortic dissection. Last evaluated: 2022-04-19. Review status: criteria provided, single submitter. Criteria: Ambry Variant Classification Scheme 2023. Collection method: clinical testing. Allele origin: germline.
Comment: The p.G73S variant (also known as c.217G>A), located in coding exon 3 of the PLOD1 gene, results from a G to A substitution at nucleotide position 217. The glycine at codon 73 is replaced by serine, an amino acid with similar properties. This amino acid position is conserved. In addition, the in silico prediction for this alteration is inconclusive. Since supporting evidence is limited at this time, the clinical significance of this alteration remains unclear.

NM_000302.4(PLOD1):c.217G>A (p.Gly73Ser)

Gene: PLOD1 (procollagen-lysine,2-oxoglutarate 5-dioxygenase 1; plus strand). Cytogenetic location: 1p36.22.
Variant type: single nucleotide variant.
Coding change: c.217G>A on transcript NM_000302.4 (MANE Select); coding-DNA position 217, G replaced by A.
Protein change: p.Gly73Ser; replaces glycine 73 with serine.
Molecular consequence: missense variant.
Genome position (GRCh38, 1-based): chr1:11,949,821, G>A. VCF-style: chr1-11949821-G-A. GRCh37 (hg19) VCF-style: chr1-12009878-G-A.
Other names: c.358G>A, p.Gly120Ser (NM_001316320.2); short protein forms G120S, G73S.
Identifiers: ClinVar variation 1787245 (VCV001787245.3), dbSNP rs748173461, ClinGen allele CA338426266.